The following is an entry in ClinVar:

ClinVar aggregate classification (germline): Uncertain significance. Review status: criteria provided, multiple submitters, no conflicts (2 of 4 stars). 2 submissions from 2 submitters: Uncertain significance (2). Last evaluated 2024-09-19.

Conditions:
Hereditary cancer-predisposing syndrome. Also called: Neoplastic Syndromes, Hereditary; Hereditary neoplastic syndrome; Tumor predisposition; Hereditary Cancer Syndrome. Identifiers: Orphanet 140162, MedGen C0027672, MeSH D009386, MONDO:0015356.

Submissions (2):

Ambry Genetics
Classification: Uncertain significance for Hereditary cancer-predisposing syndrome. Last evaluated: 2024-09-19. Review status: criteria provided, single submitter. Criteria: Ambry Variant Classification Scheme 2023. Collection method: clinical testing. Allele origin: germline.
Comment: The p.Q123K variant (also known as c.367C>A), located in coding exon 2 of the STK11 gene, results from a C to A substitution at nucleotide position 367. The glutamine at codon 123 is replaced by lysine, an amino acid with similar properties. This amino acid position is conserved. In addition, the in silico prediction for this alteration is inconclusive. Based on the available evidence, the clinical significance of this variant remains unclear.

Quest Diagnostics Nichols Institute San Juan Capistrano
Classification: Uncertain significance. Last evaluated: 2023-09-21. Review status: criteria provided, single submitter. Criteria: Quest Diagnostics criteria. Collection method: clinical testing. Allele origin: unknown.
Comment: To the best of our knowledge, this variant has not been reported in the published literature. It also has not been reported in large, multi-ethnic general populations (Genome Aggregation Database). Analysis of this variant using bioinformatics tools for the prediction of the effect of amino acid changes on protein structure and function yielded predictions that this variant is damaging. Based on the available information, we are unable to determine the clinical significance of this variant.

NM_000455.5(STK11):c.367C>A (p.Gln123Lys)

Gene: STK11 (serine/threonine kinase 11; plus strand). Cytogenetic location: 19p13.3.
Variant type: single nucleotide variant.
Coding change: c.367C>A on transcript NM_000455.5 (MANE Select); coding-DNA position 367, C replaced by A.
Protein change: p.Gln123Lys; replaces glutamine 123 with lysine.
Molecular consequence: missense variant. On other transcripts: non-coding transcript variant (1).
Genome position (GRCh38, 1-based): chr19:1,218,493, C>A. VCF-style: chr19-1218493-C-A. GRCh37 (hg19) VCF-style: chr19-1218492-C-A.
Other names: c.367C>A, p.Gln123Lys (NM_001407255.1); short protein forms Q123K.
Identifiers: ClinVar variation 2682087 (VCV002682087.2), dbSNP rs1131690925, ClinGen allele CA402947908.